The following is an entry in ClinVar:

NM_002471.4(MYH6):c.1422T>G (p.Phe474Leu)

Gene: MYH6 (myosin heavy chain 6; minus strand). Cytogenetic location: 14q11.2.
Variant type: single nucleotide variant.
Coding change: c.1422T>G on transcript NM_002471.4 (MANE Select); coding-DNA position 1422, T replaced by G.
Protein change: p.Phe474Leu; replaces phenylalanine 474 with leucine.
Molecular consequence: missense variant.
Genome position (GRCh38, 1-based): chr14:23,400,415, A>C on the plus strand (T>G on the coding strand, the complement: MYH6 is on the minus strand). VCF-style: chr14-23400415-A-C. GRCh37 (hg19) VCF-style: chr14-23869624-A-C.
Other names: short protein forms F474L.
Identifiers: ClinVar variation 2587179 (VCV002587179.2), dbSNP rs2502191836, ClinGen allele CA389023116.

ClinVar aggregate classification (germline): Uncertain significance (1 of 4 stars; one submission).

Conditions:
Cardiovascular phenotype. Identifiers: MedGen CN230736.

Submission:

Ambry Genetics
Classification: Uncertain significance for Cardiovascular phenotype. Last evaluated: 2023-08-13. Review status: criteria provided, single submitter. Criteria: Ambry Variant Classification Scheme 2023. Collection method: clinical testing. Allele origin: germline.
Comment: The p.F474L variant (also known as c.1422T>G), located in coding exon 12 of the MYH6 gene, results from a T to G substitution at nucleotide position 1422. The phenylalanine at codon 474 is replaced by leucine, an amino acid with highly similar properties. This amino acid position is conserved. In addition, this alteration is predicted to be tolerated by in silico analysis. Since supporting evidence is limited at this time, the clinical significance of this alteration remains unclear.